The following is an entry in ClinVar:

NM_016247.4(IMPG2):c.2430A>T (p.Leu810Phe)

Gene: IMPG2 (interphotoreceptor matrix proteoglycan 2; minus strand). Cytogenetic location: 3q12.3.
Variant type: single nucleotide variant.
Coding change: c.2430A>T on transcript NM_016247.4 (MANE Select); coding-DNA position 2430, A replaced by T.
Protein change: p.Leu810Phe; replaces leucine 810 with phenylalanine.
Molecular consequence: missense variant.
Genome position (GRCh38, 1-based): chr3:101,243,901, T>A on the plus strand (A>T on the coding strand, the complement: IMPG2 is on the minus strand). VCF-style: chr3-101243901-T-A. GRCh37 (hg19) VCF-style: chr3-100962745-T-A.
Other names: short protein forms L810F.
Identifiers: ClinVar variation 2056648 (VCV002056648.4), dbSNP rs1017459969, ClinGen allele CA353857258.
Genomic context (GRCh38, chr3:101,243,901, plus strand): 5'-TTCATCCTCTAGCAGGGTGGAGATTGTGGTTGGAGGCAATTTGGTAGACTGTGTCACAGA[T>A]AACCAGAGCCTGTCAGCACTCTGTGGTGTACTTGCCAATATGTCTCTGGACAATTTCTCT-3'
Protein context (NP_057331.2, residues 800-820): STPQSADRLW[Leu810Phe]SVTQSTKLPP

ClinVar aggregate classification (germline): Uncertain significance (1 of 4 stars; one submission).

Submission:

Labcorp Genetics (formerly Invitae), Labcorp
Classification: Uncertain significance. Last evaluated: 2026-01-05. Review status: criteria provided, single submitter. Criteria: Invitae Variant Classification Sherloc (09022015). Collection method: clinical testing. Allele origin: germline.
Comment: This sequence change replaces leucine, which is neutral and non-polar, with phenylalanine, which is neutral and non-polar, at codon 810 of the IMPG2 protein (p.Leu810Phe). This variant is not present in population databases (gnomAD no frequency). This variant has not been reported in the literature in individuals affected with IMPG2-related conditions. ClinVar contains an entry for this variant (Variation ID: 2056648). Invitae Evidence Modeling of protein sequence and biophysical properties (such as structural, functional, and spatial information, amino acid conservation, physicochemical variation, residue mobility, and thermodynamic stability) indicates that this missense variant is expected to disrupt IMPG2 protein function with a positive predictive value of 80%. In summary, the available evidence is currently insufficient to determine the role of this variant in disease. Therefore, it has been classified as a Variant of Uncertain Significance.